The following is an entry in ClinVar:

NM_032861.4(SERAC1):c.355+211C>T

Gene: SERAC1 (serine active site containing 1; minus strand). Cytogenetic location: 6q25.3.
Variant type: single nucleotide variant.
Coding change: c.355+211C>T on transcript NM_032861.4 (MANE Select); 211 bases into the intron after coding-DNA position 355, C replaced by T.
Molecular consequence: intron variant.
Genome position (GRCh38, 1-based): chr6:158,148,654, G>A on the plus strand (C>T on the coding strand, the complement: SERAC1 is on the minus strand). VCF-style: chr6-158148654-G-A. GRCh37 (hg19) VCF-style: chr6-158569686-G-A.
Identifiers: ClinVar variation 680779 (VCV000680779.1), dbSNP rs9347095, ClinGen allele CA12339519.
Genomic context (GRCh38, chr6:158,148,654, plus strand): 5'-CACCACACCTGGCTAATTTTTGTATTTTTAGTAGAGACAGGGTTTCACCATGTTAGCCAG[G>A]CTGGTTTCAAACTCCTGACCTCAGGTGACCCACCCACCTCAGCCTCCCAAAGTGCTTGGA-3'

ClinVar aggregate classification (germline): Benign (1 of 4 stars; one submission).

Allele frequency attached by ClinVar (database versions not stated): gnomAD 0.29455 and 0.30099; 1000 Genomes Project 30x 0.29528; 1000 Genomes Project 0.30212; TOPMed 0.30601.
gnomAD v4.1: 45,755 of 151,942 alleles (30%); highest among the groups gnomAD compares: Admixed American, 51%; 8,291 homozygotes.

Submission:

GeneDx
Classification: Benign. Last evaluated: 2018-06-14. Review status: criteria provided, single submitter. Criteria: GeneDx Variant Classification (06012015). Collection method: clinical testing. Allele origin: germline. Affected: yes.
Comment: This variant is considered likely benign or benign based on one or more of the following criteria: it is a conservative change, it occurs at a poorly conserved position in the protein, it is predicted to be benign by multiple in silico algorithms, and/or has population frequency not consistent with disease.